The following is an entry in ClinVar:

ClinVar aggregate classification (germline): Pathogenic (1 of 4 stars; one submission).

Submission:

Labcorp Genetics (formerly Invitae), Labcorp
Classification: Pathogenic. Last evaluated: 2023-07-10. Review status: criteria provided, single submitter. Criteria: Invitae Variant Classification Sherloc (09022015). Collection method: clinical testing. Allele origin: germline.
Comment: For these reasons, this variant has been classified as Pathogenic. This variant has not been reported in the literature in individuals affected with ATR-related conditions. This variant is not present in population databases (gnomAD no frequency). This sequence change creates a premature translational stop signal (p.Gln151Asnfs*14) in the ATR gene. It is expected to result in an absent or disrupted protein product. Loss-of-function variants in ATR are known to be pathogenic (PMID: 21228398, 23144622).

Literature cited by the submitters: PubMed 21228398; PubMed 23144622.

NM_001184.4(ATR):c.451del (p.Gln151fs)

Gene: ATR (ATR checkpoint kinase; minus strand). Cytogenetic location: 3q23.
Variant type: Deletion.
Coding change: c.451del on transcript NM_001184.4 (MANE Select); coding-DNA position 451, one base deleted (C; older notation c.451delC).
Protein change: p.Gln151fs; shifts the reading frame from glutamine 151.
Molecular consequence: frameshift variant.
Genome position (GRCh38, 1-based): chr3:142,562,951, G deleted on the plus strand (C on the coding strand, the reverse complement: ATR is on the minus strand). VCF-style (leftmost placement, unchanged base first): chr3-142562950-TG-T. GRCh37 (hg19) VCF-style: chr3-142281792-TG-T.
Other names: c.451del, p.Gln151fs (NM_001354579.2); short protein forms Q151fs.
Identifiers: ClinVar variation 2846497 (VCV002846497.3), dbSNP rs2473429555, ClinGen allele CA2739280097.